The following is an entry in ClinVar:

ClinVar aggregate classification (germline): Uncertain significance (1 of 4 stars; one submission).

Allele frequency attached by ClinVar (database versions not stated): gnomAD 0.00001; gnomAD exomes 0.00001; TOPMed 0.00003.
gnomAD v4.1: 17 of 1,551,630 alleles (0.0011%); highest among the groups gnomAD compares: South Asian, 0.0036%; no homozygotes.

Submission:

Labcorp Genetics (formerly Invitae), Labcorp
Classification: Uncertain significance. Last evaluated: 2022-08-03. Review status: criteria provided, single submitter. Criteria: Invitae Variant Classification Sherloc (09022015). Collection method: clinical testing. Allele origin: germline.
Comment: This sequence change replaces arginine, which is basic and polar, with glutamine, which is neutral and polar, at codon 2679 of the UNC80 protein (p.Arg2679Gln). This variant is present in population databases (no rsID available, gnomAD 0.01%). This variant has not been reported in the literature in individuals affected with UNC80-related conditions. Algorithms developed to predict the effect of missense changes on protein structure and function are either unavailable or do not agree on the potential impact of this missense change (SIFT: "Not Available"; PolyPhen-2: "Probably Damaging"; Align-GVGD: "Not Available"). In summary, the available evidence is currently insufficient to determine the role of this variant in disease. Therefore, it has been classified as a Variant of Uncertain Significance.

NM_001371986.1(UNC80):c.8234G>A (p.Arg2745Gln)

Gene: UNC80 (unc-80 homolog, NALCN channel complex subunit; plus strand). Cytogenetic location: 2q34.
Variant type: single nucleotide variant.
Coding change: c.8234G>A on transcript NM_001371986.1 (MANE Select); coding-DNA position 8234, G replaced by A.
Protein change: p.Arg2745Gln; replaces arginine 2745 with glutamine.
Molecular consequence: missense variant.
Genome position (GRCh38, 1-based): chr2:209,970,935, G>A. VCF-style: chr2-209970935-G-A. GRCh37 (hg19) VCF-style: chr2-210835659-G-A.
Other names: c.8036G>A, p.Arg2679Gln (NM_032504.2); c.8021G>A, p.Arg2674Gln (NM_182587.4); short protein forms R2674Q, R2679Q, R2745Q.
Identifiers: ClinVar variation 1934790 (VCV001934790.2), dbSNP rs963928680, ClinGen allele CA64656871.
Genomic context (GRCh38, chr2:209,970,935, plus strand): 5'-CCCTTCTTCATCTCAGCCCTTATCTCTCACCACCTCTGCCCTTCAGCACAGCTGTTGTCC[G>A]GCTTGTAGCATTGCAGATACAGGTGTGACTGCCTTACCTGTTTGTCACGCTCATTAAGTT-3'
Protein context (NP_001358915.1, residues 2735-2755): PPLPFSTAVV[Arg2745Gln]LVALQIQALK